The following is an entry in ClinVar:

ClinVar aggregate classification (germline): Uncertain significance (1 of 4 stars; one submission).

Conditions:
Charcot-Marie-Tooth disease axonal type 2O. Also called: Charcot-Marie-Tooth disease, axonal, type 20; CHARCOT-MARIE-TOOTH NEUROPATHY, AXONAL, TYPE 2O; CHARCOT-MARIE-TOOTH DISEASE, AXONAL, AUTOSOMAL DOMINANT, TYPE 2O; Charcot-Marie-Tooth Neuropathy Type 2O. Identifiers: Orphanet 284232, MedGen C3280220, MONDO:0013644, OMIM 614228.

Submission:

Labcorp Genetics (formerly Invitae), Labcorp
Classification: Uncertain significance for Charcot-Marie-Tooth disease axonal type 2O. Last evaluated: 2023-06-04. Review status: criteria provided, single submitter. Criteria: Invitae Variant Classification Sherloc (09022015). Collection method: clinical testing. Allele origin: germline.
Comment: This sequence change replaces lysine, which is basic and polar, with threonine, which is neutral and polar, at codon 4111 of the DYNC1H1 protein (p.Lys4111Thr). This variant is not present in population databases (gnomAD no frequency). This variant has not been reported in the literature in individuals affected with DYNC1H1-related conditions. Advanced modeling of protein sequence and biophysical properties (such as structural, functional, and spatial information, amino acid conservation, physicochemical variation, residue mobility, and thermodynamic stability) has been performed at Invitae for this missense variant, however the output from this modeling did not meet the statistical confidence thresholds required to predict the impact of this variant on DYNC1H1 protein function. In summary, the available evidence is currently insufficient to determine the role of this variant in disease. Therefore, it has been classified as a Variant of Uncertain Significance.

NM_001376.5(DYNC1H1):c.12332A>C (p.Lys4111Thr)

Gene: DYNC1H1 (dynein cytoplasmic 1 heavy chain 1; plus strand). Cytogenetic location: 14q32.31.
Variant type: single nucleotide variant.
Coding change: c.12332A>C on transcript NM_001376.5 (MANE Select); coding-DNA position 12332, A replaced by C.
Protein change: p.Lys4111Thr; replaces lysine 4111 with threonine.
Molecular consequence: missense variant.
Genome position (GRCh38, 1-based): chr14:102,042,440, A>C. VCF-style: chr14-102042440-A-C. GRCh37 (hg19) VCF-style: chr14-102508777-A-C.
Other names: short protein forms K4111T.
Identifiers: ClinVar variation 2766507 (VCV002766507.3), dbSNP rs1060499574, ClinGen allele CA391040933.